The following is an entry in ClinVar:

NM_033467.4(MMEL1):c.2116G>A (p.Gly706Ser)

Gene: MMEL1 (membrane metalloendopeptidase like 1; minus strand). Cytogenetic location: 1p36.32.
Variant type: single nucleotide variant.
Coding change: c.2116G>A on transcript NM_033467.4 (MANE Select); coding-DNA position 2116, G replaced by A.
Protein change: p.Gly706Ser; replaces glycine 706 with serine.
Molecular consequence: missense variant.
Genome position (GRCh38, 1-based): chr1:2,591,979, C>T on the plus strand (G>A on the coding strand, the complement: MMEL1 is on the minus strand). VCF-style: chr1-2591979-C-T. GRCh37 (hg19) VCF-style: chr1-2523418-C-T.
Other names: short protein forms G706S.
Identifiers: ClinVar variation 4083603 (VCV004083603.8).

ClinVar aggregate classification (germline): Likely benign (1 of 4 stars; one submission).

gnomAD v4.1: 1,312 of 1,613,292 alleles (0.081%); highest among the groups gnomAD compares: African/African-American, 0.61%; 1 homozygote.

Submission:

CeGaT Center for Human Genetics Tuebingen
Classification: Likely benign. Last evaluated: 2025-07-01. Review status: criteria provided, single submitter. Criteria: CeGaT Center For Human Genetics Tuebingen Variant Classification Criteria Version 2. Collection method: clinical testing. Allele origin: germline. Affected: yes. Observed: 1 variant allele.
Comment: MMEL1: BS2